The following is an entry in ClinVar:

ClinVar aggregate classification (germline): Pathogenic (1 of 4 stars; one submission).

Conditions:
Spinocerebellar ataxia 27B, late-onset (SCA27B). Also called: GAA-FGF14-Related Ataxia. Identifiers: Orphanet 675216, MedGen C5774278, MONDO:0859340, OMIM 620174.

Submission:

Clinical Genetics Laboratory, CHRU Nancy
Classification: Pathogenic for Spinocerebellar ataxia 27B, late-onset. Last evaluated: 2023-02-07. Review status: criteria provided, single submitter. Criteria: ACMG Guidelines, 2015. Collection method: case-control, in vitro. Allele origin: unknown, not applicable. Inheritance: Autosomal dominant inheritance. Affected: yes. Observed: 128 variant alleles. Clinical features observed: Hereditary episodic ataxia (HP:0002131), Progressive cerebellar ataxia (HP:0002073), Gait ataxia (HP:0002066), Ataxia (HP:0001251), Gaze-evoked nystagmus (HP:0000640), Vertical nystagmus (HP:0010544), Triggered by ethanol ingestion (HP:0025211), Diplopia (HP:0000651).
Comment: Expansions of 250 or more GAA repeat units were associated with late-onset cerebellar ataxia in a French-Canadian (OR: 105.60 [95% CI=31.09-334.20], p<0.001) and a German (OR: 8.76 [95% CI=3.45-20.84], p<0.001) case-control series

Literature cited by the submitters: PubMed 36516086; PubMed 36493768.

NM_175929.3(FGF14):c.208+239747CTT[250]

Gene: FGF14 (fibroblast growth factor 14; minus strand). Cytogenetic location: 13q33.1.
Variant type: Microsatellite.
Coding change: c.208+239747CTT[250] on transcript NM_175929.3 (MANE Plus Clinical); 250 copies in a row of the 3-base unit CTT starting at c.208+239747.
Molecular consequence: intron variant.
Genome position: GRCh38, VCF-style position (the base before the change): chr13:102,161,574. GRCh37 (hg19), VCF-style position (the base before the change): chr13:102,813,924.
Other names: c.52+239747CTT[250] (NM_001321947.2); c.91+239747CTT[250] (NM_001379342.1, NM_001321948.2, NM_001321945.2); c.-60+204721CTT[250] (NM_001321946.2, NM_001321949.1); c.13+58973CTT[250] (NM_001321938.2, NM_001321940.1, NM_001321933.1); c.208+239747CTT[250] (NM_001321939.2, NM_001321937.2); c.7+132250CTT[250] (NM_001321941.2); c.4+31313CTT[250] (NM_001321944.1, NM_001321936.1, NM_001321932.1); c.-60+44143CTT[250] (NM_001321943.1); and 4 more.
Identifiers: ClinVar variation 2430157 (VCV002430157.1), dbSNP rs2047659273, ClinGen allele CA2580614761.